The following is an entry in ClinVar:

ClinVar aggregate classification (germline): Likely pathogenic (1 of 4 stars; one submission).

Conditions:
Early onset severe obesity. Identifiers: MedGen C4013980.

Submission:

Cambridge Genomics Laboratory, East Genomic Laboratory Hub, NHS Genomic Medicine Service
Classification: Likely pathogenic for Severe early-onset obesity. Last evaluated: 2024-01-19. Review status: criteria provided, single submitter. Criteria: ACGS Best Practice Guidelines for Variant Classification in Rare Disease 2020. Collection method: clinical testing. Allele origin: germline. Affected: yes.
Comment: The p.Tyr212Cys variant is novel (not in any individuals) in gnomAD All. The p.Tyr212Cys variant is novel (not in any individuals) in 1kG All. The p.Tyr212Cys variant is novel (not in any individuals) in gnomAD Genomes v3 All. (PM2 - Moderate) | There are no benign variants within 3 amino acid positions of the variant p.Tyr212Cys. (PM1 - Moderate) | The p.Tyr212Cys missense variant is predicted to be damaging by both SIFT and PolyPhen2. The tyrosine residue at codon 212 of MC4R is conserved in all mammalian species. The nucleotide c.635 in MC4R is predicted conserved by GERP++ and PhyloP across 100 vertebrates. (PP3 - Supporting) | The patient's phenotype or family history is highly specific for a disease with a single genetic etiology. (PP4 - Supporting)

NM_005912.3(MC4R):c.635A>G (p.Tyr212Cys)

Gene: MC4R (melanocortin 4 receptor; minus strand). Cytogenetic location: 18q21.32.
Variant type: single nucleotide variant.
Coding change: c.635A>G on transcript NM_005912.3 (MANE Select); coding-DNA position 635, A replaced by G.
Protein change: p.Tyr212Cys; replaces tyrosine 212 with cysteine.
Molecular consequence: missense variant.
Genome position (GRCh38, 1-based): chr18:60,371,715, T>C on the plus strand (A>G on the coding strand, the complement: MC4R is on the minus strand). VCF-style: chr18-60371715-T-C. GRCh37 (hg19) VCF-style: chr18-58038948-T-C.
Other names: short protein forms Y212C.
Identifiers: ClinVar variation 4812870 (VCV004812870.1).
Genomic context (GRCh38, chr18:60,371,715, plus strand): 5'-GTGCCGGGGAGGACAGCAATCCTCTTAATGTGAAGCCTGGCCATCAGGAACATGTGGACA[T>C]AGAGAGAAGCCATGAGAGCCAGCATGGTGAAGAACATGGTGATGAGGCAGATGATGACAG-3'
Protein context (NP_005903.2, residues 202-222): FTMLALMASL[Tyr212Cys]VHMFLMARLH